The following is an entry in ClinVar:

NM_002478.5(MYOD1):c.854C>A (p.Ala285Asp)

Gene: MYOD1 (myogenic differentiation 1; plus strand). Cytogenetic location: 11p15.1.
Variant type: single nucleotide variant.
Coding change: c.854C>A on transcript NM_002478.5 (MANE Select); coding-DNA position 854, C replaced by A.
Protein change: p.Ala285Asp; replaces alanine 285 with aspartic acid.
Molecular consequence: missense variant.
Genome position (GRCh38, 1-based): chr11:17,721,399, C>A. VCF-style: chr11-17721399-C-A. GRCh37 (hg19) VCF-style: chr11-17742946-C-A.
Other names: short protein forms A285D.
Identifiers: ClinVar variation 450288 (VCV000450288.2), dbSNP rs1554986153, ClinGen allele CA379794527.

ClinVar aggregate classification (germline): Uncertain significance (1 of 4 stars; one submission).

Submission:

GeneDx
Classification: Uncertain significance. Last evaluated: 2017-07-11. Review status: criteria provided, single submitter. Criteria: GeneDx Variant Classification (06012015). Collection method: clinical testing. Allele origin: germline. Affected: yes.
Comment: The A285D variant in the MYOD1 gene has not been reported previously as a pathogenic variant, nor as a benign variant, to our knowledge. The A285D variant is not observed in large population cohorts (Lek et al., 2016; 1000 Genomes Consortium et al., 2015; Exome Variant Server). The A285D variant is a non-conservative amino acid substitution, which is likely to impact secondary protein structure as these residues differ in polarity, charge, size and/or other properties. This substitution occurs at a position that is not conserved. In silico analysis is inconsistent in its predictions as to whether or not the variant is damaging to the protein structure/function. We interpret A285D as a variant of uncertain significance.